The following is an entry in ClinVar:

ClinVar aggregate classification (germline): Uncertain significance. Review status: criteria provided, multiple submitters, no conflicts (2 of 4 stars). 3 submissions from 3 submitters: Uncertain significance (3). Last evaluated 2026-02-13.

Conditions:
Early-infantile DEE. Also called: Ohtahara syndrome; Early infantile epileptic encephalopathy; Early infantile epileptic encephalopathy with suppression bursts. Identifiers: Orphanet 1934, MedGen C0393706, MONDO:0800491.

Allele frequency attached by ClinVar (database versions not stated): gnomAD exomes below 0.00001 and 0.00001; TOPMed below 0.00001; ExAC 0.00001.
gnomAD v4.1: 12 of 1,614,144 alleles (0.00074%); highest among the groups gnomAD compares: East Asian, 0.0045%; no homozygotes.

Submissions (3):

Women's Health and Genetics/Laboratory Corporation of America, LabCorp
Classification: Uncertain significance. Last evaluated: 2026-02-13. Review status: criteria provided, single submitter. Criteria: LabCorp Variant Classification Summary - May 2015. Collection method: clinical testing. Allele origin: germline.
Comment: Variant summary: SPTAN1 c.6403C>T (p.Arg2135Cys) results in a non-conservative amino acid change in the encoded protein sequence. Algorithms developed to predict the effect of missense changes on protein structure and function are either unavailable or do not agree on the potential impact of this missense change. The variant allele was found at a frequency of 4e-06 in 251390 control chromosomes. The available data on variant occurrences in the general population are insufficient to allow any conclusion about variant significance. To our knowledge, no occurrence of c.6403C>T in individuals affected with SPTAN1-related conditions and no experimental evidence demonstrating its impact on protein function have been reported. ClinVar contains an entry for this variant (Variation ID: 1418421). Based on the evidence outlined above, the variant was classified as uncertain significance.

CeGaT Center for Human Genetics Tuebingen
Classification: Uncertain significance. Last evaluated: 2025-12-01. Review status: criteria provided, single submitter. Criteria: CeGaT Center For Human Genetics Tuebingen Variant Classification Criteria Version 2. Collection method: clinical testing. Allele origin: germline. Affected: yes. Observed: 1 variant allele.

Labcorp Genetics (formerly Invitae), Labcorp
Classification: Uncertain significance for Early-infantile DEE. Last evaluated: 2023-09-01. Review status: criteria provided, single submitter. Criteria: Invitae Variant Classification Sherloc (09022015). Collection method: clinical testing. Allele origin: germline.
Comment: This sequence change replaces arginine, which is basic and polar, with cysteine, which is neutral and slightly polar, at codon 2135 of the SPTAN1 protein (p.Arg2135Cys). This variant is present in population databases (rs751337586, gnomAD 0.006%). This variant has not been reported in the literature in individuals affected with SPTAN1-related conditions. ClinVar contains an entry for this variant (Variation ID: 1418421). Advanced modeling of protein sequence and biophysical properties (such as structural, functional, and spatial information, amino acid conservation, physicochemical variation, residue mobility, and thermodynamic stability) has been performed at Invitae for this missense variant, however the output from this modeling did not meet the statistical confidence thresholds required to predict the impact of this variant on SPTAN1 protein function. In summary, the available evidence is currently insufficient to determine the role of this variant in disease. Therefore, it has been classified as a Variant of Uncertain Significance.

NM_001130438.3(SPTAN1):c.6403C>T (p.Arg2135Cys)

Gene: SPTAN1 (spectrin alpha, non-erythrocytic 1; plus strand). Cytogenetic location: 9q34.11.
Variant type: single nucleotide variant.
Coding change: c.6403C>T on transcript NM_001130438.3 (MANE Select); coding-DNA position 6403, C replaced by T.
Protein change: p.Arg2135Cys; replaces arginine 2135 with cysteine.
Molecular consequence: missense variant.
Genome position (GRCh38, 1-based): chr9:128,626,514, C>T. VCF-style: chr9-128626514-C-T. GRCh37 (hg19) VCF-style: chr9-131388793-C-T.
Other names: c.6328C>T, p.Arg2110Cys (NM_001195532.2); c.6403C>T, p.Arg2135Cys (NM_001363759.2, NM_001375310.1, NM_001375311.2 and 1 more transcripts); c.6343C>T, p.Arg2115Cys (NM_001363765.2, NM_001375314.2); c.6439C>T, p.Arg2147Cys (NM_001375312.2, NM_001375318.1); c.6388C>T, p.Arg2130Cys (NM_003127.4); short protein forms R2110C, R2135C, R2115C, R2147C, R2130C.
Identifiers: ClinVar variation 1418421 (VCV001418421.12), dbSNP rs751337586, ClinGen allele CA5265699.